The following is an entry in ClinVar:

ClinVar aggregate classification (germline): Uncertain significance (1 of 4 stars; one submission).

Conditions:
Nephronophthisis 14 (NPHP14). Identifiers: Orphanet 2318, MedGen C3539071, MONDO:0013916, OMIM 614844.

Allele frequency attached by ClinVar (database versions not stated): gnomAD exomes below 0.00001; TOPMed below 0.00001; gnomAD 0.00001.
gnomAD v4.1: 3 of 1,612,874 alleles (0.00019%); highest among the groups gnomAD compares: Non-Finnish European, 0.00025%; no homozygotes.

Submission:

Labcorp Genetics (formerly Invitae), Labcorp
Classification: Uncertain significance for Nephronophthisis 14. Last evaluated: 2022-08-09. Review status: criteria provided, single submitter. Criteria: Invitae Variant Classification Sherloc (09022015). Collection method: clinical testing. Allele origin: germline.
Comment: In summary, the available evidence is currently insufficient to determine the role of this variant in disease. Therefore, it has been classified as a Variant of Uncertain Significance. Algorithms developed to predict the effect of missense changes on protein structure and function are either unavailable or do not agree on the potential impact of this missense change (SIFT: "Tolerated"; PolyPhen-2: "Possibly Damaging"; Align-GVGD: "Class C0"). ClinVar contains an entry for this variant (Variation ID: 1494552). This variant has not been reported in the literature in individuals affected with ZNF423-related conditions. This variant is not present in population databases (gnomAD no frequency). This sequence change replaces serine, which is neutral and polar, with asparagine, which is neutral and polar, at codon 1131 of the ZNF423 protein (p.Ser1131Asn).

NM_001379286.1(ZNF423):c.3416G>A (p.Ser1139Asn)

Gene: ZNF423 (zinc finger protein 423; minus strand). Cytogenetic location: 16q12.1.
Variant type: single nucleotide variant.
Coding change: c.3416G>A on transcript NM_001379286.1 (MANE Select); coding-DNA position 3416, G replaced by A.
Protein change: p.Ser1139Asn; replaces serine 1139 with asparagine.
Molecular consequence: missense variant.
Genome position (GRCh38, 1-based): chr16:49,635,760, C>T on the plus strand (G>A on the coding strand, the complement: ZNF423 is on the minus strand). VCF-style: chr16-49635760-C-T. GRCh37 (hg19) VCF-style: chr16-49669671-C-T.
Other names: c.3212G>A, p.Ser1071Asn (NM_001271620.2); c.3041G>A, p.Ser1014Asn (NM_001330533.2); c.3392G>A, p.Ser1131Asn (NM_015069.5); short protein forms S1071N, S1014N, S1131N, S1139N.
Identifiers: ClinVar variation 1494552 (VCV001494552.8), dbSNP rs1972667949, ClinGen allele CA395839415.
Genomic context (GRCh38, chr16:49,635,760, plus strand): 5'-CTGGTCTCCGGCGTGAGGTCACGGTGGTCCACCTGCATGTGGCTCTCCAGGTCTTCGGCA[C>T]TCTCAAACTTGACACTGCACTCGGGGCAACGGAGGCCGGCACAGGGCCGGTCGGCGGGCT-3'
Protein context (NP_001366215.1, residues 1129-1149): RCPECSVKFE[Ser1139Asn]AEDLESHMQV